The following is an entry in ClinVar:

NM_024753.5(TTC21B):c.2100G>A (p.Lys700=)

Gene: TTC21B (tetratricopeptide repeat domain 21B; minus strand). Cytogenetic location: 2q24.3.
Variant type: single nucleotide variant.
Coding change: c.2100G>A on transcript NM_024753.5 (MANE Select); coding-DNA position 2100, G replaced by A.
Protein change: p.Lys700=; no amino-acid change (lysine 700 retained).
Molecular consequence: synonymous variant.
Genome position (GRCh38, 1-based): chr2:165,915,239, C>T on the plus strand (G>A on the coding strand, the complement: TTC21B is on the minus strand). VCF-style: chr2-165915239-C-T. GRCh37 (hg19) VCF-style: chr2-166771749-C-T.
Identifiers: ClinVar variation 331830 (VCV000331830.15), dbSNP rs368202285, ClinGen allele CA1941940.

ClinVar aggregate classification (germline): Conflicting classifications of pathogenicity. Review status: criteria provided, conflicting classifications (1 of 4 stars). 5 submissions from 4 submitters: Uncertain significance (2); Benign (1); Likely benign (1). 1 of the submissions does not count toward it. Last evaluated 2025-10-21.

Conditions:
Nephronophthisis. Also called: Juvenile Nephronophthisis. Identifiers: Orphanet 655, MedGen C0687120, MONDO:0019005, HP:0000090.
Jeune thoracic dystrophy. Also called: Short-rib thoracic dysplasia; Infantile thoracic dystrophy; Thoracic pelvic phalangeal dystrophy; Jeune's syndrome; Chondroectodermal dysplasia-like syndrome; Jeune syndrome. Identifiers: Orphanet 474, MedGen C0265275, MONDO:0018770.
TTC21B-related disorder. Also called: TTC21B-related condition; TTC21B-related disorders.
Nephronophthisis 12 (NPHP12). Identifiers: Orphanet 655, MedGen C3151186, MONDO:0013442, OMIM 613820.
Asphyxiating thoracic dystrophy 4 (SRTD4). Also called: SHORT-RIB THORACIC DYSPLASIA 4 WITH OR WITHOUT POLYDACTYLY; SHORT-RIB THORACIC DYSPLASIA 4. Identifiers: Orphanet 474, MedGen C3151185, MONDO:0013441, OMIM 613819.

Allele frequency attached by ClinVar (database versions not stated): gnomAD 0.00003 and 0.00011; ESP Exome Variant Server 0.00008; TOPMed 0.00009; gnomAD exomes 0.00043; 1000 Genomes Project 30x 0.00078; 1000 Genomes Project 0.00080.
gnomAD v4.1: 323 of 1,613,878 alleles (0.02%); highest among the groups gnomAD compares: South Asian, 0.28%; 3 homozygotes.

Submissions (5):

Labcorp Genetics (formerly Invitae), Labcorp
Classification: Benign for Jeune thoracic dystrophy; Nephronophthisis. Last evaluated: 2025-10-21. Review status: criteria provided, single submitter. Criteria: Invitae Variant Classification Sherloc (09022015). Collection method: clinical testing. Allele origin: germline.

Blueprint Genetics
Classification: Likely benign. Last evaluated: 2024-11-08. Review status: criteria provided, single submitter. Criteria: ACMG Guidelines, 2015. Collection method: clinical testing. Allele origin: germline.

Illumina Laboratory Services, Illumina
Classification: Uncertain significance for Nephronophthisis 12. Last evaluated: 2018-01-13. Review status: criteria provided, single submitter. Criteria: ICSL Variant Classification Criteria 13 December 2019. Collection method: clinical testing. Allele origin: germline.

Illumina Laboratory Services, Illumina
Classification: Uncertain significance for Asphyxiating thoracic dystrophy 4. Last evaluated: 2018-01-13. Review status: criteria provided, single submitter. Criteria: ICSL Variant Classification Criteria 13 December 2019. Collection method: clinical testing. Allele origin: germline.

PreventionGenetics, part of Exact Sciences
Classification: Likely benign for TTC21B-related condition. Last evaluated: 2019-06-14. Review status: no assertion criteria provided. Collection method: clinical testing. Allele origin: germline. Not counted in ClinVar's aggregate classification.
Comment: This variant is classified as likely benign based on ACMG/AMP sequence variant interpretation guidelines (Richards et al. 2015 PMID: 25741868, with internal and published modifications).